The following is an entry in ClinVar:

NM_006892.4(DNMT3B):c.290G>A (p.Arg97His)

Gene: DNMT3B (DNA methyltransferase 3 beta; plus strand). Cytogenetic location: 20q11.21.
Variant type: single nucleotide variant.
Coding change: c.290G>A on transcript NM_006892.4 (MANE Select); coding-DNA position 290, G replaced by A.
Protein change: p.Arg97His; replaces arginine 97 with histidine.
Molecular consequence: missense variant. On other transcripts: intron variant (1).
Genome position (GRCh38, 1-based): chr20:32,784,843, G>A. VCF-style: chr20-32784843-G-A. GRCh37 (hg19) VCF-style: chr20-31372649-G-A.
Other names: c.290G>A, p.Arg97His (NM_001207055.2, NM_175848.2, NM_175849.2); c.326G>A, p.Arg109His (NM_175850.3); c.205-2387G>A (NM_001207056.2); short protein forms R97H, R109H.
Identifiers: ClinVar variation 530704 (VCV000530704.8), dbSNP rs200902224, ClinGen allele CA9810118.

ClinVar aggregate classification (germline): Uncertain significance. Review status: criteria provided, multiple submitters, no conflicts (2 of 4 stars). 2 submissions from 2 submitters: Uncertain significance (2). Last evaluated 2024-12-02.

Conditions:
Inborn genetic diseases. Identifiers: MedGen C0950123, MeSH D030342.
Centromeric instability of chromosomes 1,9 and 16 and immunodeficiency (ICF1). Also called: IMMUNE DEFICIENCY, VARIABLE, WITH CENTROMERIC INSTABILITY OF CHROMOSOMES 1, 9, AND 16; IMMUNODEFICIENCY SYNDROME, VARIABLE; CENTROMERIC INSTABILITY, IMMUNODEFICIENCY SYNDROME; Immunodeficiency-centromeric instability-facial anomalies. Identifiers: Orphanet 2268, MedGen C0398788, MONDO:0000133.

Allele frequency attached by ClinVar (database versions not stated): gnomAD exomes 0.00004 and 0.00010; ExAC 0.00007; TOPMed 0.00016; 1000 Genomes Project 0.00040; 1000 Genomes Project 30x 0.00047.
gnomAD v4.1: 71 of 1,614,054 alleles (0.0044%); highest among the groups gnomAD compares: Admixed American, 0.038%; no homozygotes.

Submissions (2):

Labcorp Genetics (formerly Invitae), Labcorp
Classification: Uncertain significance for Centromeric instability of chromosomes 1,9 and 16 and immunodeficiency. Last evaluated: 2024-12-02. Review status: criteria provided, single submitter. Criteria: Invitae Variant Classification Sherloc (09022015). Collection method: clinical testing. Allele origin: germline.
Comment: This sequence change replaces arginine, which is basic and polar, with histidine, which is basic and polar, at codon 97 of the DNMT3B protein (p.Arg97His). This variant is present in population databases (rs200902224, gnomAD 0.05%). This variant has not been reported in the literature in individuals affected with DNMT3B-related conditions. ClinVar contains an entry for this variant (Variation ID: 530704). Invitae Evidence Modeling of protein sequence and biophysical properties (such as structural, functional, and spatial information, amino acid conservation, physicochemical variation, residue mobility, and thermodynamic stability) indicates that this missense variant is not expected to disrupt DNMT3B protein function with a negative predictive value of 95%. In summary, the available evidence is currently insufficient to determine the role of this variant in disease. Therefore, it has been classified as a Variant of Uncertain Significance.

Ambry Genetics
Classification: Uncertain significance for Inborn genetic diseases. Last evaluated: 2023-11-06. Review status: criteria provided, single submitter. Criteria: Ambry Variant Classification Scheme 2023. Collection method: clinical testing. Allele origin: germline.